The following is an entry in ClinVar:

NM_001385012.1(NBEA):c.3264C>A (p.Ala1088=)

Gene: NBEA (neurobeachin; plus strand). Cytogenetic location: 13q13.3.
Variant type: single nucleotide variant.
Coding change: c.3264C>A on transcript NM_001385012.1 (MANE Select); coding-DNA position 3264, C replaced by A.
Protein change: p.Ala1088=; no amino-acid change (alanine 1088 retained).
Molecular consequence: synonymous variant.
Genome position (GRCh38, 1-based): chr13:35,159,435, C>A. VCF-style: chr13-35159435-C-A. GRCh37 (hg19) VCF-style: chr13-35733572-C-A.
Other names: c.3264C>A, p.Ala1088= (NM_001379245.1, NM_015678.5).
Identifiers: ClinVar variation 4085303 (VCV004085303.8).
Genomic context (GRCh38, chr13:35,159,435, plus strand): 5'-AGTAAAGCTCGATGATATGGATTTATCACCGGAGACTTTAGTAGGTGGAGAGAATGGTGC[C>A]CTTGTGGAGGTTGAATCTCTGTTGGATAATGTATATAGTGCTGCTGTTGAGAAACTCCAG-3'
Protein context (NP_001371941.1, residues 1078-1098): PETLVGGENG[Ala1088=]LVEVESLLDN

ClinVar aggregate classification (germline): Likely benign (1 of 4 stars; one submission).

Submission:

CeGaT Center for Human Genetics Tuebingen
Classification: Likely benign. Last evaluated: 2025-07-01. Review status: criteria provided, single submitter. Criteria: CeGaT Center For Human Genetics Tuebingen Variant Classification Criteria Version 2. Collection method: clinical testing. Allele origin: germline. Affected: yes. Observed: 1 variant allele.
Comment: NBEA: PM2:Supporting, BP4, BP7